The following is an entry in ClinVar:

ClinVar aggregate classification (germline): Uncertain significance (1 of 4 stars; one submission).

Conditions:
Hereditary cancer-predisposing syndrome. Also called: Neoplastic Syndromes, Hereditary; Tumor predisposition; Hereditary neoplastic syndrome; Hereditary Cancer Syndrome. Identifiers: Orphanet 140162, MedGen C0027672, MeSH D009386, MONDO:0015356.

Submission:

Ambry Genetics
Classification: Uncertain significance for Hereditary cancer-predisposing syndrome. Last evaluated: 2022-12-13. Review status: criteria provided, single submitter. Criteria: Ambry Variant Classification Scheme 2023. Collection method: clinical testing. Allele origin: germline.
Comment: The c.4634_4635delGCinsCA variant (also known as p.R1545P), located in coding exon 32 of the SMARCA4 gene, results from an in-frame deletion of GC and insertion of CA at nucleotide positions 4634 to 4635. This results in the substitution of the arginine residue for a proline residue at codon 1545, an amino acid with dissimilar properties. Missense and in-frame variants in SMARCA4 are known to cause neurodevelopmental disorders; however, such associations with rhabdoid tumor predisposition syndrome including small cell carcinoma of the ovary-hypercalcemic type (SCCOHT) are exceedingly rare (Kosho T et al. Am J Med Genet C Semin Med Genet. 2014 Sep;166C(3):262-75; Jelinic P et al. Nat Genet. 2014 May;46(5):424-6). This amino acid position is highly conserved in available vertebrate species. In addition, the in silico prediction for this alteration is inconclusive (Choi Y et al. PLoS ONE. 2012; 7(10):e46688). Since supporting evidence is limited at this time, the clinical significance of this alteration remains unclear.

NM_003072.5(SMARCA4):c.4538_4539delinsCA (p.Arg1513Pro)

Gene: SMARCA4 (SWI/SNF related BAF chromatin remodeling complex subunit ATPase 4; plus strand). Cytogenetic location: 19p13.2.
Variant type: Indel.
Coding change: c.4538_4539delinsCA on transcript NM_003072.5 (MANE Select); coding-DNA positions 4538 to 4539, GC replaced by CA.
Protein change: p.Arg1513Pro; replaces arginine 1513 with proline.
Molecular consequence: missense variant. On other transcripts: non-coding transcript variant (1).
Genome position (GRCh38, 1-based): chr19:11,058,792-11,058,793, GC replaced by CA. VCF-style: chr19-11058792-GC-CA. GRCh37 (hg19) VCF-style: chr19-11169468-GC-CA.
Other names: c.4538_4539delinsCA, p.Arg1513Pro (NM_001128844.3); c.4448_4449delinsCA, p.Arg1483Pro (NM_001128845.2); c.4445_4446delinsCA, p.Arg1482Pro (NM_001128846.2); c.4439_4440delinsCA, p.Arg1480Pro (NM_001128847.4, NM_001374457.1); c.4436_4437delinsCA, p.Arg1479Pro (NM_001128848.2); c.4634_4635delinsCA, p.Arg1545Pro (NM_001128849.3, NM_001387283.1); c.4535_4536delinsCA, p.Arg1512Pro (NM_001411150.1); short protein forms R1483P, R1512P, R1480P, R1545P, R1479P, R1482P, R1513P.
Identifiers: ClinVar variation 2452854 (VCV002452854.2), dbSNP rs2515778319, ClinGen allele CA2580096298.